The following is an entry in ClinVar:

ClinVar aggregate classification (germline): Pathogenic (1 of 4 stars; one submission).

Submission:

Labcorp Genetics (formerly Invitae), Labcorp
Classification: Pathogenic. Last evaluated: 2022-07-06. Review status: criteria provided, single submitter. Criteria: Invitae Variant Classification Sherloc (09022015). Collection method: clinical testing. Allele origin: germline.
Comment: This premature translational stop signal has been observed in individual(s) with Alport syndrome (PMID: 16941480). This variant is not present in population databases (gnomAD no frequency). This sequence change creates a premature translational stop signal (p.Pro949Glnfs*47) in the COL4A5 gene. It is expected to result in an absent or disrupted protein product. Loss-of-function variants in COL4A5 are known to be pathogenic (PMID: 9195222, 10752524, 14514738, 24854265, 26809805). For these reasons, this variant has been classified as Pathogenic. ClinVar contains an entry for this variant (Variation ID: 587297).

Literature cited by the submitters: PubMed 16941480; PubMed 9195222; PubMed 10752524; PubMed 14514738; PubMed 24854265; PubMed 26809805.

NM_033380.3(COL4A5):c.2846del (p.Pro949fs)

Gene: COL4A5 (collagen type IV alpha 5 chain; plus strand). Cytogenetic location: Xq22.3.
Variant type: Deletion.
Coding change: c.2846del on transcript NM_033380.3 (MANE Select); coding-DNA position 2846, one base deleted (C; older notation c.2846delC).
Protein change: p.Pro949fs; shifts the reading frame from proline 949.
Molecular consequence: frameshift variant.
Genome position (GRCh38, 1-based): chrX:108,622,754, C deleted; the last of 2 consecutive C bases (chrX:108,622,753-108,622,754); deleting either gives the same sequence. VCF-style (leftmost placement, unchanged base first): chrX-108622752-TC-T. GRCh37 (hg19) VCF-style: chrX-107865982-TC-T.
Other names: c.2846del, p.Pro949fs (NM_000495.5); short protein forms P949fs.
Identifiers: ClinVar variation 587297 (VCV000587297.9), dbSNP rs104886197, ClinGen allele CA258776.